The following is an entry in ClinVar:

ClinVar aggregate classification (germline): Pathogenic. Review status: criteria provided, multiple submitters, no conflicts (2 of 4 stars). 2 submissions from 2 submitters: Pathogenic (2). Last evaluated 2026-01-12.

Conditions:
Polycystic kidney disease, adult type (PKD1). Also called: Polycystic Kidney, Autosomal Dominant; POLYCYSTIC KIDNEY DISEASE, ADULT, TYPE I; Polycystic Kidney Disease 1, Autosomal Dominant; Polycystic kidney disease 1; Polycystic kidney disease 1, severe; POLYCYSTIC KIDNEY DISEASE 1 WITH OR WITHOUT POLYCYSTIC LIVER DISEASE. Identifiers: MedGen C3149841, MONDO:0008263, OMIM 173900.

Submissions (2):

Victorian Clinical Genetics Services, Murdoch Childrens Research Institute
Classification: Pathogenic for Polycystic kidney disease, adult type. Last evaluated: 2026-01-12. Review status: criteria provided, single submitter. Criteria: ACMG Guidelines, 2015. Collection method: clinical testing. Allele origin: germline. Affected: yes.
Comment: This variant is classified as Pathogenic. Evidence in support of pathogenic classification: Variant is predicted to cause nonsense-mediated decay (NMD) and loss of protein (premature termination codon is located at least 54 nucleotides upstream of the final exon-exon junction); Variant is absent from gnomAD (v2, v3 and v4); This variant has limited previous evidence of pathogenicity. This variant has been classified as pathogenic by one clinical laboratory in ClinVar; Other NMD-predicted variants comparable to the one identified in this case have very strong previous evidence for pathogenicity (DECIPHER). Additional information: This variant is heterozygous; This gene is associated with autosomal dominant disease. Polycystic kidney disease 1 (MIM#173900) is predominantly caused by monoallelic variants, with rare reports of biallelic variants causing disease (OMIM); Loss of function is a known mechanism of disease in this gene and is associated with polycystic kidney disease 1 (MIM#173900); Inheritance information for this variant is not currently available in this individual.

Centre for Mendelian Genomics, University Medical Centre Ljubljana
Classification: Pathogenic for Polycystic kidney disease, adult type. Last evaluated: 2018-10-17. Review status: criteria provided, single submitter. Criteria: ACMG Guidelines, 2015. Collection method: clinical testing. Allele origin: unknown. Affected: yes.
Comment: This variant was classified as: Pathogenic. The following ACMG criteria were applied in classifying this variant: PVS1,PM2,PP4.

NM_001009944.3(PKD1):c.10319del (p.Gly3440fs)

Gene: PKD1 (polycystin 1, transient receptor potential channel interacting; minus strand). Cytogenetic location: 16p13.3.
Variant type: Deletion.
Coding change: c.10319del on transcript NM_001009944.3 (MANE Select); coding-DNA position 10319, one base deleted (G; older notation c.10319delG).
Protein change: p.Gly3440fs; shifts the reading frame from glycine 3440.
Molecular consequence: frameshift variant.
Genome position (GRCh38, 1-based): chr16:2,097,405, C deleted on the plus strand (G on the coding strand, the reverse complement: PKD1 is on the minus strand); the first of 4 consecutive C bases (chr16:2,097,405-2,097,408); deleting any one gives the same sequence. VCF-style (leftmost placement, unchanged base first): chr16-2097404-GC-G. GRCh37 (hg19) VCF-style: chr16-2147405-GC-G.
Other names: c.10316del, p.Gly3439fs (NM_000296.4); short protein forms G3440fs, G3439fs.
Identifiers: ClinVar variation 931907 (VCV000931907.4), dbSNP rs2091891993, ClinGen allele CA1139664429.
Genomic context (GRCh38, chr16:2,097,404, plus strand): 5'-CGAGTAGGGGCTGGCCAGGGAGAAGCCGTCCTCCTCTGGGCCCAGCCCATGGCCCGCCTG[GC>G]CCCGTGCCAGCTGCCGCAGATTGCTACCCACAATGGACGGGTCACTGAGCAGGTCCGGCC-3'